The following is an entry in ClinVar:

ClinVar aggregate classification (germline): Conflicting classifications of pathogenicity. Review status: criteria provided, conflicting classifications (1 of 4 stars). 2 submissions from 2 submitters: Uncertain significance (1); Likely benign (1). Last evaluated 2024-10-22.

Allele frequency attached by ClinVar (database versions not stated): gnomAD 0.00005 and 0.00004; TOPMed 0.00004.
gnomAD v4.1: 58 of 1,540,108 alleles (0.0038%); highest among the groups gnomAD compares: Admixed American, 0.012%; no homozygotes.

Submissions (2):

Athena Diagnostics
Classification: Uncertain significance. Last evaluated: 2024-10-22. Review status: criteria provided, single submitter. Criteria: Athena Diagnostics Criteria. Collection method: clinical testing. Allele origin: unknown.
Comment: Available data are insufficient to determine the clinical significance of the variant at this time. The frequency of this variant in the general population is uninformative in assessment of its pathogenicity. Polyphen and MutationTaster predict this amino acid change may be benign. Greater than 90% of NOTCH3 pathogenic variants associated with CADASIL involve the gain or loss of a cysteine residue within the epidermal growth factor (EGF)-like repeat domain (PMID: 32457593, 20301673).

Labcorp Genetics (formerly Invitae), Labcorp
Classification: Likely benign. Last evaluated: 2023-08-04. Review status: criteria provided, single submitter. Criteria: Invitae Variant Classification Sherloc (09022015). Collection method: clinical testing. Allele origin: germline.

NM_000435.3(NOTCH3):c.6437C>T (p.Ala2146Val)

Gene: NOTCH3 (notch receptor 3; minus strand). Cytogenetic location: 19p13.12.
Variant type: single nucleotide variant.
Coding change: c.6437C>T on transcript NM_000435.3 (MANE Select); coding-DNA position 6437, C replaced by T.
Protein change: p.Ala2146Val; replaces alanine 2146 with valine.
Molecular consequence: missense variant.
Genome position (GRCh38, 1-based): chr19:15,161,191, G>A on the plus strand (C>T on the coding strand, the complement: NOTCH3 is on the minus strand). VCF-style: chr19-15161191-G-A. GRCh37 (hg19) VCF-style: chr19-15272002-G-A.
Other names: short protein forms A2146V.
Identifiers: ClinVar variation 804648 (VCV000804648.10), dbSNP rs770739669, ClinGen allele CA305758227.